The following is an entry in ClinVar:

ClinVar aggregate classification (germline): Likely pathogenic (1 of 4 stars; one submission).

Submission:

GeneDx
Classification: Likely pathogenic. Last evaluated: 2024-03-20. Review status: criteria provided, single submitter. Criteria: GeneDx Variant Classification Process June 2021. Collection method: clinical testing. Allele origin: germline. Affected: yes.
Comment: Not observed at significant frequency in large population cohorts (gnomAD); In silico analysis supports that this missense variant has a deleterious effect on protein structure/function; Also known as 565A>G E184G; This variant is associated with the following publications: (PMID: 18641513)

NM_000206.3(IL2RG):c.551A>G (p.Glu184Gly)

Gene: IL2RG (interleukin 2 receptor subunit gamma; minus strand). Cytogenetic location: Xq13.1.
Variant type: single nucleotide variant.
Coding change: c.551A>G on transcript NM_000206.3 (MANE Select); coding-DNA position 551, A replaced by G.
Protein change: p.Glu184Gly; replaces glutamic acid 184 with glycine.
Molecular consequence: missense variant.
Genome position (GRCh38, 1-based): chrX:71,110,199, T>C on the plus strand (A>G on the coding strand, the complement: IL2RG is on the minus strand). VCF-style: chrX-71110199-T-C. GRCh37 (hg19) VCF-style: chrX-70330049-T-C.
Other names: short protein forms E184G.
Identifiers: ClinVar variation 3340643 (VCV003340643.1).